The following is an entry in ClinVar:

NM_000092.5(COL4A4):c.3461G>A (p.Gly1154Asp)

Gene: COL4A4 (collagen type IV alpha 4 chain; minus strand). Cytogenetic location: 2q36.3.
Variant type: single nucleotide variant.
Coding change: c.3461G>A on transcript NM_000092.5 (MANE Select); coding-DNA position 3461, G replaced by A.
Protein change: p.Gly1154Asp; replaces glycine 1154 with aspartic acid.
Molecular consequence: missense variant.
Genome position (GRCh38, 1-based): chr2:227,042,192, C>T on the plus strand (G>A on the coding strand, the complement: COL4A4 is on the minus strand). VCF-style: chr2-227042192-C-T. GRCh37 (hg19) VCF-style: chr2-227906908-C-T.
Other names: short protein forms G1154D.
Identifiers: ClinVar variation 2163568 (VCV002163568.6), dbSNP rs775698697, ClinGen allele CA2144527.

ClinVar aggregate classification (germline): Conflicting classifications of pathogenicity. Review status: criteria provided, conflicting classifications (1 of 4 stars). 4 submissions from 4 submitters: Likely pathogenic (2); Uncertain significance (2). Last evaluated 2025-08-20.

Conditions:
Alport syndrome. Also called: Hemorrhagic familial nephritis; Hemorrhagic hereditary nephritis; Congenital hereditary hematuria. Identifiers: Orphanet 63, MedGen C1567741, MONDO:0018965.
Autosomal recessive Alport syndrome (ATS2). Also called: COL4A4 Alport Syndrome and Thin Basement Membrane Nephropathy; COL4A3-Related Nephropathy; ALPORT SYNDROME 2, AUTOSOMAL RECESSIVE; Alport syndrome type 2. Identifiers: Orphanet 63, Orphanet 88919, MedGen C4746745, MONDO:0008762, OMIM 203780.
Hematuria, benign familial, 1 (BFH1). Also called: THIN MEMBRANE NEPHROPATHY. Identifiers: MedGen CN376803, MONDO:0007709, OMIM 141200.
Inborn genetic diseases. Identifiers: MedGen C0950123, MeSH D030342.

Allele frequency attached by ClinVar (database versions not stated): gnomAD exomes 0.00001; gnomAD 0.00003; TOPMed 0.00003; ExAC 0.00004.
gnomAD v4.1: 12 of 1,613,462 alleles (0.00074%); highest among the groups gnomAD compares: African/African-American, 0.016%; no homozygotes.

Submissions (4):

Natera, Inc.
Classification: Likely pathogenic for Alport syndrome. Last evaluated: 2025-08-20. Review status: criteria provided, single submitter. Criteria: Natera Variant Classification Schema (03/2026). Collection method: clinical testing. Allele origin: germline.
Comment: The c.3461G>A variant in COL4A4 is a missense variant predicted to cause substitution of glycine to aspartic acid at amino acid 1154. This variant is rare in the general population with a frequency below the threshold expected for the associated phenotype(s). This variant is located in a functionally critical region of the protein. Computational prediction algorithms indicate this variant is likely to affect gene or protein function. Given the available evidence, this variant is classified as Likely Pathogenic.

Labcorp Genetics (formerly Invitae), Labcorp
Classification: Uncertain significance. Last evaluated: 2025-06-12. Review status: criteria provided, single submitter. Criteria: Invitae Variant Classification Sherloc (09022015). Collection method: clinical testing. Allele origin: germline.
Comment: This sequence change replaces glycine, which is neutral and non-polar, with aspartic acid, which is acidic and polar, at codon 1154 of the COL4A4 protein (p.Gly1154Asp). This variant is present in population databases (rs775698697, gnomAD 0.03%). This variant has not been reported in the literature in individuals affected with COL4A4-related conditions. ClinVar contains an entry for this variant (Variation ID: 2163568). Invitae Evidence Modeling of protein sequence and biophysical properties (such as structural, functional, and spatial information, amino acid conservation, physicochemical variation, residue mobility, and thermodynamic stability) indicates that this missense variant is expected to disrupt COL4A4 protein function with a positive predictive value of 95%. In summary, the available evidence is currently insufficient to determine the role of this variant in disease. Therefore, it has been classified as a Variant of Uncertain Significance.

Ambry Genetics
Classification: Uncertain significance for Inborn genetic diseases. Last evaluated: 2025-02-27. Review status: criteria provided, single submitter. Criteria: Ambry Variant Classification Scheme 2023. Collection method: clinical testing. Allele origin: germline.

Fulgent Genetics
Classification: Likely pathogenic for Hematuria, benign familial, 1; Autosomal recessive Alport syndrome. Last evaluated: 2024-06-11. Review status: criteria provided, single submitter. Criteria: ACMG Guidelines, 2015. Collection method: clinical testing. Allele origin: germline.